The following is an entry in ClinVar:

NM_020686.6(ABAT):c.446C>T (p.Ser149Leu)

Gene: ABAT (4-aminobutyrate aminotransferase; plus strand). Cytogenetic location: 16p13.2.
Variant type: single nucleotide variant.
Coding change: c.446C>T on transcript NM_020686.6 (MANE Select); coding-DNA position 446, C replaced by T.
Protein change: p.Ser149Leu; replaces serine 149 with leucine.
Molecular consequence: missense variant.
Genome position (GRCh38, 1-based): chr16:8,764,148, C>T. VCF-style: chr16-8764148-C-T. GRCh37 (hg19) VCF-style: chr16-8858005-C-T.
Other names: c.446C>T, p.Ser149Leu (NM_000663.5, NM_001127448.2, NM_001386600.1 and 10 more transcripts); c.311C>T, p.Ser104Leu (NM_001386610.1, NM_001386611.1, NM_001386612.1 and 1 more transcripts); c.200C>T, p.Ser67Leu (NM_001386614.1); c.542C>T, p.Ser181Leu (NM_001386615.1); short protein forms S149L, S104L, S181L, S67L.
Identifiers: ClinVar variation 281461 (VCV000281461.10), dbSNP rs374113959, ClinGen allele CA7893118.
Genomic context (GRCh38, chr16:8,764,148, plus strand): 5'-CCGCCCTCGGAATCCTGCCTCCGGAGAACTTTGTGGAGAAGCTCCGGCAGTCCTTGCTCT[C>T]GGTGAGTTCTGGAGAAGCAATCCCATTGTCTTCAGACGTGGTACTGGCAGGGGAAGGGAA-3'
Protein context (NP_065737.2, residues 139-159): FVEKLRQSLL[Ser149Leu]VAPKGMSQLI

ClinVar aggregate classification (germline): Uncertain significance. Review status: criteria provided, multiple submitters, no conflicts (2 of 4 stars). 2 submissions from 2 submitters: Uncertain significance (2). Last evaluated 2022-09-01.

Conditions:
Gamma-aminobutyric acid transaminase deficiency (GABATD). Also called: GABA transaminase deficiency; Gamma aminobutyrate transaminase deficiency; 4 alpha aminobutyrate transaminase deficiency; GABA aminotransaminase deficiency. Identifiers: Orphanet 2066, MedGen C0342708, MONDO:0013166, OMIM 613163.

Allele frequency attached by ClinVar (database versions not stated): ExAC 0.00001; TOPMed 0.00003; ESP Exome Variant Server 0.00008.
gnomAD v4.1: 21 of 1,612,924 alleles (0.0013%); highest among the groups gnomAD compares: Non-Finnish European, 0.0016%; no homozygotes.

Submissions (2):

Labcorp Genetics (formerly Invitae), Labcorp
Classification: Uncertain significance for Gamma-aminobutyric acid transaminase deficiency. Last evaluated: 2022-09-01. Review status: criteria provided, single submitter. Criteria: Invitae Variant Classification Sherloc (09022015). Collection method: clinical testing. Allele origin: germline.
Comment: This sequence change replaces serine, which is neutral and polar, with leucine, which is neutral and non-polar, at codon 149 of the ABAT protein (p.Ser149Leu). This variant is present in population databases (rs374113959, gnomAD 0.002%). This variant has not been reported in the literature in individuals affected with ABAT-related conditions. ClinVar contains an entry for this variant (Variation ID: 281461). Algorithms developed to predict the effect of missense changes on protein structure and function are either unavailable or do not agree on the potential impact of this missense change (SIFT: "Deleterious"; PolyPhen-2: "Benign"; Align-GVGD: "Class C0"). Algorithms developed to predict the effect of sequence changes on RNA splicing suggest that this variant may disrupt the consensus splice site. In summary, the available evidence is currently insufficient to determine the role of this variant in disease. Therefore, it has been classified as a Variant of Uncertain Significance.

Eurofins Ntd Llc (ga)
Classification: Uncertain significance. Last evaluated: 2015-06-23. Review status: criteria provided, single submitter. Criteria: EGL Classification Definitions 2015. Collection method: clinical testing. Allele origin: germline. Observed: 1 variant allele, 1 heterozygote.